The following is an entry in ClinVar:

ClinVar aggregate classification (germline): Conflicting classifications of pathogenicity. Review status: criteria provided, conflicting classifications (1 of 4 stars). 2 submissions from 2 submitters: Uncertain significance (1); Likely benign (1). Last evaluated 2023-03-23.

Conditions:
Hereditary cancer-predisposing syndrome. Also called: Hereditary neoplastic syndrome; Tumor predisposition; Hereditary Cancer Syndrome; Neoplastic Syndromes, Hereditary. Identifiers: Orphanet 140162, MedGen C0027672, MeSH D009386, MONDO:0015356.

Submissions (2):

University of Washington Department of Laboratory Medicine, University of Washington
Classification: Likely benign for Hereditary cancer-predisposing syndrome. Last evaluated: 2023-03-23. Review status: criteria provided, single submitter. Criteria: Dines et al. (Genet Med. 2020). Collection method: curation. Allele origin: germline.
Comment: Missense variant in a coldspot region where missense variants are very unlikely to be pathogenic (PMID:31911673).

BRCA2 exon 11 coldspot. Reclassification based on statistical prior probability.

Color Diagnostics, LLC DBA Color Health
Classification: Uncertain significance for Hereditary cancer-predisposing syndrome. Last evaluated: 2019-04-17. Review status: criteria provided, single submitter. Criteria: ACMG Guidelines, 2015. Collection method: clinical testing. Allele origin: germline.

NM_000059.4(BRCA2):c.3371A>G (p.Gln1124Arg)

Gene: BRCA2 (BRCA2 DNA repair associated; plus strand). Cytogenetic location: 13q13.1.
Variant type: single nucleotide variant.
Coding change: c.3371A>G on transcript NM_000059.4 (MANE Select); coding-DNA position 3371, A replaced by G.
Protein change: p.Gln1124Arg; replaces glutamine 1124 with arginine.
Molecular consequence: missense variant.
Genome position (GRCh38, 1-based): chr13:32,337,726, A>G. VCF-style: chr13-32337726-A-G. GRCh37 (hg19) VCF-style: chr13-32911863-A-G.
Other names: short protein forms Q1124R.
Identifiers: ClinVar variation 491239 (VCV000491239.6), dbSNP rs1555283204, ClinGen allele CA387776402.